The following is an entry in ClinVar:

ClinVar aggregate classification (germline): Likely benign. Review status: criteria provided, multiple submitters, no conflicts (2 of 4 stars). 3 submissions from 3 submitters: Likely benign (3). Last evaluated 2026-01-04.

Conditions:
Birt-Hogg-Dube syndrome 1 (BHD1). Also called: FIBROFOLLICULOMAS WITH TRICHODISCOMAS AND ACROCHORDONS. Identifiers: Orphanet 122, MedGen CN375946, MONDO:0800445, OMIM 135150.
Hereditary cancer-predisposing syndrome. Also called: Hereditary neoplastic syndrome; Neoplastic Syndromes, Hereditary; Tumor predisposition; Hereditary Cancer Syndrome. Identifiers: Orphanet 140162, MedGen C0027672, MeSH D009386, MONDO:0015356.
Birt-Hogg-Dube syndrome. Also called: Birt Hogg Dubé syndrome. Identifiers: Orphanet 122, MedGen C0346010, MONDO:0800444.

Allele frequency attached by ClinVar (database versions not stated): TOPMed below 0.00001; gnomAD 0.00001; gnomAD exomes 0.00001 and 0.00002; ExAC 0.00002; ESP Exome Variant Server 0.00008.
gnomAD v4.1: 11 of 1,613,946 alleles (0.00068%); highest among the groups gnomAD compares: Non-Finnish European, 0.00093%; 1 homozygote.

Submissions (3):

Labcorp Genetics (formerly Invitae), Labcorp
Classification: Likely benign for Birt-Hogg-Dube syndrome. Last evaluated: 2026-01-04. Review status: criteria provided, single submitter. Criteria: Invitae Variant Classification Sherloc (09022015). Collection method: clinical testing. Allele origin: germline.

Myriad Genetics, Inc.
Classification: Likely benign for Birt-Hogg-Dube syndrome 1. Last evaluated: 2024-10-25. Review status: criteria provided, single submitter. Criteria: Myriad Autosomal Dominant, Autosomal Recessive and X-Linked Classification Criteria (2023). Collection method: clinical testing. Allele origin: unknown.
Comment: This variant is considered likely benign. This variant is intronic and is not expected to impact mRNA splicing. This variant has been observed at a population frequency that is significantly greater than expected given the associated disease prevalence and penetrance.

Ambry Genetics
Classification: Likely benign for Hereditary cancer-predisposing syndrome. Last evaluated: 2022-11-04. Review status: criteria provided, single submitter. Criteria: Ambry Variant Classification Scheme 2023. Collection method: clinical testing. Allele origin: germline.

NM_144997.7(FLCN):c.1432+4G>C

Gene: FLCN (folliculin; minus strand). Cytogenetic location: 17p11.2.
Variant type: single nucleotide variant.
Coding change: c.1432+4G>C on transcript NM_144997.7 (MANE Select); 4 bases into the intron after coding-DNA position 1432, G replaced by C.
Molecular consequence: intron variant.
Genome position (GRCh38, 1-based): chr17:17,215,181, C>G on the plus strand (G>C on the coding strand, the complement: FLCN is on the minus strand). VCF-style: chr17-17215181-C-G. GRCh37 (hg19) VCF-style: chr17-17118495-C-G.
Other names: c.1432+4G>C (LRG_325t1, NM_001353231.2, NM_001353230.2); c.1486+4G>C (NM_001353229.2).
Identifiers: ClinVar variation 460595 (VCV000460595.11), dbSNP rs373547953, ClinGen allele CA8416001.